The following is an entry in ClinVar:

ClinVar aggregate classification (germline): Pathogenic. Review status: criteria provided, single submitter (1 of 4 stars). 2 submissions from 1 submitter: Pathogenic (1). 1 of the submissions does not count toward it. Last evaluated 2017-11-17.

Conditions:
Polycystic kidney disease, adult type (PKD1). Also called: Polycystic Kidney Disease 1, Autosomal Dominant; Polycystic kidney disease 1; Polycystic kidney disease 1, severe; Polycystic Kidney, Autosomal Dominant; POLYCYSTIC KIDNEY DISEASE, ADULT, TYPE I; POLYCYSTIC KIDNEY DISEASE 1 WITH OR WITHOUT POLYCYSTIC LIVER DISEASE. Identifiers: MedGen C3149841, MONDO:0008263, OMIM 173900.
Polycystic kidney disease. Also called: Polycystic kidney dysplasia; Kidney, Polycystic. Identifiers: MedGen C0022680, MeSH D007690, MONDO:0020642, HP:0000113.

Submissions (2):

Department of Pathology and Laboratory Medicine, Sinai Health System
Classification: Pathogenic for Polycystic kidney disease, adult type. Last evaluated: 2017-11-17. Review status: criteria provided, single submitter. Criteria: ACMG Guidelines, 2015. Collection method: clinical testing. Allele origin: germline. Affected: yes.

Department of Pathology and Laboratory Medicine, Sinai Health System
Classification: Pathogenic for Polycystic Kidney disease. Review status: no assertion criteria provided. Collection method: clinical testing. Allele origin: unknown. Affected: yes. Study: The Canadian Open Genetics Repository (COGR). Not counted in ClinVar's aggregate classification.
Comment: The PKD1 p.Ala4002LeufsX37 variant was not identified in the literature nor was it identified in the following databases: dbSNP, ClinVar, COGR, LOVD 3.0, ADPKD Mutation Database, PKD1-LOVD, the 1000 Genomes Project, the NHLBI GO Exome Sequencing Project, the Exome Aggregation Consortium (August 8th 2016), or the Genome Aggregation Database (Feb 27, 2017). The c.12004delG variant is predicted to cause a frameshift, which alters the protein amino acid sequence beginning at codon 4002 and leads to a premature stop codon 37 codons downstream. This alteration is then predicted to result in a truncated or absent protein and loss of function. Loss of function variants of the PKD1 gene are an established mechanism of disease in autosomal dominant polycystic kidney disease and is the type of variant expected to cause the disorder. In summary, based on the above information this variant meets our laboratoryâ€šÃ„Ã´s criteria to be classified as pathogenic.

NM_001009944.2(PKD1):c.12004delG

Gene: PKD1 (polycystin 1, transient receptor potential channel interacting; minus strand). Cytogenetic location: 16p13.3.
Variant type: Deletion.
Coding change: c.12004delG on transcript NM_001009944.2; coding-DNA position 12004, one base deleted (G).
Genome position (GRCh38, 1-based): chr16:2,090,808, C deleted on the plus strand (G on the coding strand, the reverse complement: PKD1 is on the minus strand); the first of 2 consecutive C bases (chr16:2,090,808-2,090,809); deleting either gives the same sequence. VCF-style (leftmost placement, unchanged base first): chr16-2090807-GC-G. GRCh37 (hg19) VCF-style: chr16-2140808-GC-G.
Identifiers: ClinVar variation 997275 (VCV000997275.2), dbSNP rs2091475541, ClinGen allele CA2202042522.